The following is an entry in ClinVar:

NM_000051.4(ATM):c.6491A>T (p.Glu2164Val)

Genes: C11orf65 (chromosome 11 open reading frame 65; minus strand), ATM (ATM serine/threonine kinase; plus strand). Cytogenetic location: 11q22.3.
Variant type: single nucleotide variant.
Coding change: c.6491A>T on transcript NM_000051.4 (MANE Select); coding-DNA position 6491, A replaced by T.
Protein change: p.Glu2164Val; replaces glutamic acid 2164 with valine.
Molecular consequence: missense variant. On other transcripts: intron variant (2).
Genome position (GRCh38, 1-based): chr11:108,321,339, A>T. VCF-style: chr11-108321339-A-T. GRCh37 (hg19) VCF-style: chr11-108192066-A-T.
Other names: c.6491A>T, p.Glu2164Val (NM_001351834.2); c.641-12268T>A (NM_001330368.2); c.*39-12268T>A (NM_001351110.2); short protein forms E2164V.
Identifiers: ClinVar variation 659746 (VCV000659746.11), dbSNP rs1591107186, ClinGen allele CA382554021.
Genomic context (GRCh38, chr11:108,321,339, plus strand): 5'-GTCTTTTCTTTTTTGCTACTAGAGTAAAAGAAGTGGAAGAGATGTGTAAGCGCAGCCTTG[A>T]GTCTGTGTATTCGCTCTATCCCACACTTAGCAGGTTGCAGGCCATTGGAGAGCTGGAAAG-3'
Protein context (NP_000042.3, residues 2154-2174): EVEEMCKRSL[Glu2164Val]SVYSLYPTLS

ClinVar aggregate classification (germline): Uncertain significance (1 of 4 stars; one submission).

Conditions:
Ataxia-telangiectasia syndrome (AT). Also called: Ataxia-telangiectasia, complementation group D; AT, COMPLEMENTATION GROUP C; ATAXIA-TELANGIECTASIA, COMPLEMENTATION GROUP A; ATAXIA-TELANGIECTASIA, FRESNO VARIANT; Ataxia-telangiectasia; LOUIS-BAR SYNDROME. Identifiers: Orphanet 100, MedGen C0004135, MONDO:0008840, OMIM 208900.

Submission:

Labcorp Genetics (formerly Invitae), Labcorp
Classification: Uncertain significance for Ataxia-telangiectasia syndrome. Last evaluated: 2022-03-14. Review status: criteria provided, single submitter. Criteria: Invitae Variant Classification Sherloc (09022015). Collection method: clinical testing. Allele origin: germline.
Comment: In summary, the available evidence is currently insufficient to determine the role of this variant in disease. Therefore, it has been classified as a Variant of Uncertain Significance. Algorithms developed to predict the effect of missense changes on protein structure and function (SIFT, PolyPhen-2, Align-GVGD) all suggest that this variant is likely to be disruptive. ClinVar contains an entry for this variant (Variation ID: 659746). This variant has not been reported in the literature in individuals affected with ATM-related conditions. This variant is not present in population databases (gnomAD no frequency). This sequence change replaces glutamic acid, which is acidic and polar, with valine, which is neutral and non-polar, at codon 2164 of the ATM protein (p.Glu2164Val).